The following is an entry in ClinVar:

ClinVar aggregate classification (germline): Uncertain significance (1 of 4 stars; one submission).

Conditions:
Brugada syndrome. Also called: Sudden unexpected nocturnal death syndrome; Sudden Unexplained Death Syndrome; Sudden Unexplained Nocturnal Death Syndrome (SUNDS); Sudden unexplained nocturnal death syndrome. Identifiers: MONDO:0015263, Orphanet 130, MedGen C1142166.

Allele frequency attached by ClinVar (database versions not stated): gnomAD exomes below 0.00001; gnomAD 0.00001; TOPMed 0.00001.
gnomAD v4.1: 3 of 1,613,666 alleles (0.00019%); highest among the groups gnomAD compares: South Asian, 0.0011%; no homozygotes.

Submission:

Labcorp Genetics (formerly Invitae), Labcorp
Classification: Uncertain significance for Brugada syndrome. Last evaluated: 2024-01-31. Review status: criteria provided, single submitter. Criteria: Invitae Variant Classification Sherloc (09022015). Collection method: clinical testing. Allele origin: germline.
Comment: This sequence change replaces phenylalanine, which is neutral and non-polar, with leucine, which is neutral and non-polar, at codon 751 of the SLMAP protein (p.Phe751Leu). This variant is present in population databases (no rsID available, gnomAD 0.0009%). This variant has not been reported in the literature in individuals affected with SLMAP-related conditions. An algorithm developed to predict the effect of missense changes on protein structure and function (PolyPhen-2) suggests that this variant is likely to be tolerated. In summary, the available evidence is currently insufficient to determine the role of this variant in disease. Therefore, it has been classified as a Variant of Uncertain Significance.

NM_001377540.1(SLMAP):c.2353T>C (p.Phe785Leu)

Gene: SLMAP (sarcolemma associated protein; plus strand). Cytogenetic location: 3p14.3.
Variant type: single nucleotide variant.
Coding change: c.2353T>C on transcript NM_001377540.1 (MANE Select); coding-DNA position 2353, T replaced by C.
Protein change: p.Phe785Leu; replaces phenylalanine 785 with leucine.
Molecular consequence: missense variant. On other transcripts: non-coding transcript variant (1).
Genome position (GRCh38, 1-based): chr3:57,922,931, T>C. VCF-style: chr3-57922931-T-C. GRCh37 (hg19) VCF-style: chr3-57908658-T-C.
Other names: c.2188T>C, p.Phe730Leu (NM_001377559.1, NM_001304421.2, NM_001377557.1); c.2179T>C, p.Phe727Leu (NM_001377562.1, NM_001377921.1); c.2167T>C, p.Phe723Leu (NM_001377922.1); c.2128T>C, p.Phe710Leu (NM_001377923.1); c.2116T>C, p.Phe706Leu (NM_001377924.1); c.2065T>C, p.Phe689Leu (NM_001377925.1); c.781T>C, p.Phe261Leu (NM_001377926.1, NM_001377927.1); c.2302T>C, p.Phe768Leu (NM_001304420.3, NM_001377541.1, NM_001377542.1); and 8 more; short protein forms F261L, F710L, F751L, F792L, F689L, F706L, F744L, F747L.
Identifiers: ClinVar variation 2810439 (VCV002810439.3), dbSNP rs1264840603, ClinGen allele CA353410672.